The following is an entry in ClinVar:

NM_001903.5(CTNNA1):c.2191C>T (p.Arg731Ter)

Gene: CTNNA1 (catenin alpha 1; plus strand). Cytogenetic location: 5q31.2.
Variant type: single nucleotide variant.
Coding change: c.2191C>T on transcript NM_001903.5 (MANE Select); coding-DNA position 2191, C replaced by T.
Protein change: p.Arg731Ter; replaces arginine 731 with a stop codon.
Molecular consequence: nonsense.
Genome position (GRCh38, 1-based): chr5:138,930,653, C>T. VCF-style: chr5-138930653-C-T. GRCh37 (hg19) VCF-style: chr5-138266342-C-T.
Other names: p.Arg731; c.2191C>T, p.Arg731Ter (NM_001290307.3, NM_001323982.2, NM_001323983.1 and 2 more transcripts); c.1882C>T, p.Arg628Ter (NM_001290309.3); c.1822C>T, p.Arg608Ter (NM_001290310.3); c.1081C>T, p.Arg361Ter (NM_001290312.1, NM_001323987.1, NM_001323988.1 and 17 more transcripts); c.2098C>T, p.Arg700Ter (NM_001323986.2); c.742C>T, p.Arg248Ter (NM_001324006.1, NM_001324007.1, NM_001324008.1 and 2 more transcripts); c.988C>T, p.Arg330Ter (NM_001324011.1); and 1 more; short protein forms R608*, R628*, R731*, R280*, R361*, R700*, R248*, R330*.
Identifiers: ClinVar variation 659725 (VCV000659725.16), dbSNP rs1401839892, ClinGen allele CA361133730.

ClinVar aggregate classification (germline): Pathogenic/Likely pathogenic. Review status: criteria provided, multiple submitters, no conflicts (2 of 4 stars). 5 submissions from 5 submitters: Pathogenic (2); Likely pathogenic (2). 1 of the submissions does not count toward it. Last evaluated 2025-12-16.

Conditions:
Patterned macular dystrophy 2. Identifiers: Orphanet 99001, MedGen C1837029, MONDO:0012162, OMIM 608970.
CTNNA1-associated FEVR.
Hereditary cancer-predisposing syndrome. Also called: Hereditary neoplastic syndrome; Neoplastic Syndromes, Hereditary; Hereditary Cancer Syndrome; Tumor predisposition. Identifiers: Orphanet 140162, MedGen C0027672, MeSH D009386, MONDO:0015356.

Allele frequency attached by ClinVar (database versions not stated): gnomAD exomes below 0.00001 and 0.00001; gnomAD 0.00001.
gnomAD v4.1: 5 of 1,610,716 alleles (0.00031%); highest among the groups gnomAD compares: South Asian, 0.0011%; no homozygotes.

Submissions (5):

Labcorp Genetics (formerly Invitae), Labcorp
Classification: Pathogenic. Last evaluated: 2025-12-16. Review status: criteria provided, single submitter. Criteria: Invitae Variant Classification Sherloc (09022015). Collection method: clinical testing. Allele origin: germline.
Comment: This sequence change creates a premature translational stop signal (p.Arg731*) in the CTNNA1 gene. It is expected to result in an absent or disrupted protein product. Loss-of-function variants in CTNNA1 are known to be pathogenic (PMID: 32051609, 34425242). The frequency data for this variant in the population databases is considered unreliable, as metrics indicate poor data quality at this position in the gnomAD database. This premature translational stop signal has been observed in individual(s) with a family history of early-onset breast cancer (PMID: 32051609). ClinVar contains an entry for this variant (Variation ID: 659725). For these reasons, this variant has been classified as Pathogenic.

Ambry Genetics
Classification: Pathogenic for Hereditary cancer-predisposing syndrome. Last evaluated: 2025-04-30. Review status: criteria provided, single submitter. Criteria: Ambry Variant Classification Scheme 2023. Collection method: clinical testing. Allele origin: germline.
Comment: The p.R731* variant (also known as c.2191C>T), located in coding exon 14 of the CTNNA1 gene, results from a C to T substitution at nucleotide position 2191. This changes the amino acid from an arginine to a stop codon within coding exon 14. This alteration is expected to result in loss of function by premature protein truncation or nonsense-mediated mRNA decay. As such, this alteration is interpreted as a disease-causing mutation.

GeneDx
Classification: Likely pathogenic. Last evaluated: 2024-07-02. Review status: criteria provided, single submitter. Criteria: GeneDx Variant Classification Process June 2021. Collection method: clinical testing. Allele origin: germline. Affected: yes.
Comment: Nonsense variant predicted to result in protein truncation or nonsense mediated decay in a gene for which loss of function is a known mechanism of disease; Not observed at significant frequency in large population cohorts (gnomAD); Observed in individuals referred for hereditary cancer multi-gene panel testing (PMID: 32051609); This variant is associated with the following publications: (PMID: 34425242, 32051609)

Baylor Genetics
Classification: Likely pathogenic for Patterned macular dystrophy 2. Last evaluated: 2023-12-22. Review status: criteria provided, single submitter. Criteria: ACMG Guidelines, 2015. Collection method: clinical testing. Allele origin: unknown.

Undiagnosed Diseases Network, NIH
Classification: Likely pathogenic for CTNNA1-associated FEVR. Last evaluated: 2022-08-03. Review status: no assertion criteria provided. Collection method: clinical testing. Allele origin: maternal. Affected: yes. Observed: 1 variant allele, 1 heterozygote. Study: Undiagnosed Diseases Network (NIH), UDN. Not counted in ClinVar's aggregate classification.

Literature cited by the submitters: PubMed 32051609 (cited by Labcorp Genetics (formerly Invitae), Labcorp); PubMed 34425242 (cited by Labcorp Genetics (formerly Invitae), Labcorp).